The following is an entry in ClinVar:

NM_013266.4(CTNNA3):c.1012G>A (p.Ala338Thr)

Gene: CTNNA3 (catenin alpha 3; minus strand). Cytogenetic location: 10q21.3.
Variant type: single nucleotide variant.
Coding change: c.1012G>A on transcript NM_013266.4 (MANE Select); coding-DNA position 1012, G replaced by A.
Protein change: p.Ala338Thr; replaces alanine 338 with threonine.
Molecular consequence: missense variant.
Genome position (GRCh38, 1-based): chr10:67,180,352, C>T on the plus strand (G>A on the coding strand, the complement: CTNNA3 is on the minus strand). VCF-style: chr10-67180352-C-T. GRCh37 (hg19) VCF-style: chr10-68940110-C-T.
Other names: c.1012G>A, p.Ala338Thr (NM_001127384.3); c.1048G>A, p.Ala350Thr (NM_001291133.2); c.1012G>A (NM_013266.2); short protein forms A338T, A350T.
Identifiers: ClinVar variation 1374311 (VCV001374311.8), dbSNP rs763229606, ClinGen allele CA5520423.

ClinVar aggregate classification (germline): Uncertain significance. Review status: criteria provided, multiple submitters, no conflicts (2 of 4 stars). 2 submissions from 2 submitters: Uncertain significance (2). Last evaluated 2025-03-25.

Conditions:
Arrhythmogenic right ventricular dysplasia 13. Also called: Arrhythmogenic right ventricular dysplasia, familial, 13; ARRHYTHMOGENIC RIGHT VENTRICULAR CARDIOMYOPATHY 13. Identifiers: MedGen C3810138, MONDO:0000908, OMIM 615616.

Allele frequency attached by ClinVar (database versions not stated): ExAC 0.00002.
gnomAD v4.1: 7 of 1,613,584 alleles (0.00043%); highest among the groups gnomAD compares: Admixed American, 0.012%; no homozygotes.

Submissions (2):

Ambry Genetics
Classification: Uncertain significance. Last evaluated: 2025-03-25. Review status: criteria provided, single submitter. Criteria: Ambry Variant Classification Scheme 2023. Collection method: clinical testing. Allele origin: germline.

Labcorp Genetics (formerly Invitae), Labcorp
Classification: Uncertain significance for Arrhythmogenic right ventricular dysplasia 13. Last evaluated: 2025-02-11. Review status: criteria provided, single submitter. Criteria: Invitae Variant Classification Sherloc (09022015). Collection method: clinical testing. Allele origin: germline.
Comment: This sequence change replaces alanine, which is neutral and non-polar, with threonine, which is neutral and polar, at codon 338 of the CTNNA3 protein (p.Ala338Thr). This variant is present in population databases (rs763229606, gnomAD 0.02%). This variant has not been reported in the literature in individuals affected with CTNNA3-related conditions. ClinVar contains an entry for this variant (Variation ID: 1374311). Invitae Evidence Modeling of protein sequence and biophysical properties (such as structural, functional, and spatial information, amino acid conservation, physicochemical variation, residue mobility, and thermodynamic stability) indicates that this missense variant is not expected to disrupt CTNNA3 protein function with a negative predictive value of 80%. In summary, the available evidence is currently insufficient to determine the role of this variant in disease. Therefore, it has been classified as a Variant of Uncertain Significance.